The following is an entry in ClinVar:

NM_001005373.4(LRSAM1):c.716C>T (p.Thr239Met)

Gene: LRSAM1 (leucine rich repeat and sterile alpha motif containing 1; plus strand). Cytogenetic location: 9q33.3.
Variant type: single nucleotide variant.
Coding change: c.716C>T on transcript NM_001005373.4 (MANE Select); coding-DNA position 716, C replaced by T.
Protein change: p.Thr239Met; replaces threonine 239 with methionine.
Molecular consequence: missense variant. On other transcripts: 5 prime UTR variant (1), non-coding transcript variant (2).
Genome position (GRCh38, 1-based): chr9:127,473,897, C>T. VCF-style: chr9-127473897-C-T. GRCh37 (hg19) VCF-style: chr9-130236176-C-T.
Other names: c.716C>T, p.Thr239Met (NM_001005374.4, NM_001190723.3, NM_001384142.1 and 2 more transcripts); c.-69C>T (NM_001384144.1); short protein forms T239M.
Identifiers: ClinVar variation 948593 (VCV000948593.9), dbSNP rs565827207, ClinGen allele CA5246657.

ClinVar aggregate classification (germline): Uncertain significance (1 of 4 stars; one submission).

Conditions:
Charcot-Marie-Tooth disease axonal type 2P. Also called: Charcot-Marie-Tooth Neuropathy Type 2G; CHARCOT-MARIE-TOOTH NEUROPATHY, TYPE 2P; CHARCOT-MARIE-TOOTH DISEASE, AXONAL, TYPE 2G; CMT 2G. Identifiers: Orphanet 300319, Orphanet 99941, MedGen C3280797, MONDO:0013753, OMIM 614436.

gnomAD v4.1: 24 of 1,614,228 alleles (0.0015%); highest among the groups gnomAD compares: African/African-American, 0.004%; no homozygotes.

Submission:

Labcorp Genetics (formerly Invitae), Labcorp
Classification: Uncertain significance for Charcot-Marie-Tooth disease axonal type 2P. Last evaluated: 2023-12-09. Review status: criteria provided, single submitter. Criteria: Invitae Variant Classification Sherloc (09022015). Collection method: clinical testing. Allele origin: germline.
Comment: This sequence change replaces threonine, which is neutral and polar, with methionine, which is neutral and non-polar, at codon 239 of the LRSAM1 protein (p.Thr239Met). This variant is present in population databases (rs565827207, gnomAD 0.005%). This variant has not been reported in the literature in individuals affected with LRSAM1-related conditions. ClinVar contains an entry for this variant (Variation ID: 948593). Algorithms developed to predict the effect of missense changes on protein structure and function output the following: SIFT: "Not Available"; PolyPhen-2: "Benign"; Align-GVGD: "Not Available". The methionine amino acid residue is found in multiple mammalian species, which suggests that this missense change does not adversely affect protein function. In summary, the available evidence is currently insufficient to determine the role of this variant in disease. Therefore, it has been classified as a Variant of Uncertain Significance.